The following is an entry in ClinVar:

ClinVar aggregate classification (germline): Pathogenic (0 of 4 stars; one submission).

Conditions:
Neurodevelopmental disorder with hypotonia, neonatal respiratory insufficiency, and thermodysregulation. Identifiers: MedGen C5394091, MONDO:0032921, OMIM 618797.

Submissions (2):

OMIM
Classification: Pathogenic for NEURODEVELOPMENTAL DISORDER WITH HYPOTONIA, NEONATAL RESPIRATORY INSUFFICIENCY, AND THERMODYSREGULATION. Last evaluated: 2020-04-02. Review status: no assertion criteria provided. Collection method: literature only. Allele origin: germline.

Institute of Human Genetics Munich, TUM University Hospital
No classification provided (evidence only). Condition: Generalized hypotonia; Feeding difficulties; Infantile spasms; Respiratory distress. Last evaluated: 2019-09-24. Review status: no classification provided. Criteria: Classification criteria August 2017. Collection method: in vitro. Allele origin: not applicable. Inheritance: Autosomal recessive inheritance. Functional consequence: Decreased function. Not counted in ClinVar's aggregate classification.
Comment: "Pathogenic" was previously submitted as the classification for the variant. However, the classification appeared to be based only on an observation of functional data so it was converted to no classification on 2025-07-30.

Literature cited by the submitters: PubMed 32004447 (cited by OMIM).

NM_001346249.2(RALGAPA1):c.7250C>G (p.Ser2417Ter)

Gene: RALGAPA1 (Ral GTPase activating protein catalytic subunit alpha 1; minus strand). Cytogenetic location: 14q13.2.
Variant type: single nucleotide variant.
Coding change: c.7250C>G on transcript NM_001346249.2 (MANE Select); coding-DNA position 7250, C replaced by G.
Protein change: p.Ser2417Ter; replaces serine 2417 with a stop codon.
Molecular consequence: nonsense.
Genome position (GRCh38, 1-based): chr14:35,572,678, G>C on the plus strand (C>G on the coding strand, the complement: RALGAPA1 is on the minus strand). VCF-style: chr14-35572678-G-C. GRCh37 (hg19) VCF-style: chr14-36041884-G-C.
Other names: c.5771C>G, p.Ser1924Ter (NM_001283043.3); c.5873C>G, p.Ser1958Ter (NM_001283044.3, NM_001346245.2, NM_001346247.2); c.7109C>G, p.Ser2370Ter (NM_001330075.3, NM_001346248.2); c.5732C>G, p.Ser1911Ter (NM_001346243.2, NM_001346246.2, NM_014990.3 and 1 more transcripts); short protein forms S1911*, S1958*, S2370*, S1924*, S2417*.
Identifiers: ClinVar variation 691797 (VCV000691797.7), dbSNP rs1594642302, ClinGen allele CA389449111.